The following is an entry in ClinVar:

NM_001200.4(BMP2):c.178A>C (p.Met60Leu)

Gene: BMP2 (bone morphogenetic protein 2; plus strand). Cytogenetic location: 20p12.3.
Variant type: single nucleotide variant.
Coding change: c.178A>C on transcript NM_001200.4 (MANE Select); coding-DNA position 178, A replaced by C.
Protein change: p.Met60Leu; replaces methionine 60 with leucine.
Molecular consequence: missense variant.
Genome position (GRCh38, 1-based): chr20:6,770,304, A>C. VCF-style: chr20-6770304-A-C. GRCh37 (hg19) VCF-style: chr20-6750951-A-C.
Other names: short protein forms M60L.
Identifiers: ClinVar variation 590935 (VCV000590935.5), dbSNP rs773113395, ClinGen allele CA9758613.

ClinVar aggregate classification (germline): Uncertain significance. Review status: criteria provided, single submitter (1 of 4 stars). 3 submissions from 3 submitters: Uncertain significance (1). 2 of the submissions do not count toward it. Last evaluated 2024-06-30.

Conditions:
Hearing impairment. Also called: Impaired Hearing. Identifiers: MedGen C1384666, MONDO:0005365, HP:0000365.

Allele frequency attached by ClinVar (database versions not stated): gnomAD 0.00001; TOPMed 0.00002.

Submissions (3):

Labcorp Genetics (formerly Invitae), Labcorp
Classification: Uncertain significance. Last evaluated: 2024-06-30. Review status: criteria provided, single submitter. Criteria: Invitae Variant Classification Sherloc (09022015). Collection method: clinical testing. Allele origin: germline.
Comment: This sequence change replaces methionine, which is neutral and non-polar, with leucine, which is neutral and non-polar, at codon 60 of the BMP2 protein (p.Met60Leu). This variant is present in population databases (rs773113395, gnomAD 0.002%). This missense change has been observed in individual(s) with clinical features of BMP2-related conditions (PMID: 30872814). ClinVar contains an entry for this variant (Variation ID: 590935). An algorithm developed to predict the effect of missense changes on protein structure and function (PolyPhen-2) suggests that this variant is likely to be disruptive. In summary, the available evidence is currently insufficient to determine the role of this variant in disease. Therefore, it has been classified as a Variant of Uncertain Significance.

Center for Statistical Genetics, Columbia University
Classification: Uncertain significance for Partial deafness; Hearing impairment. Last evaluated: 2018-10-08. Review status: no assertion criteria provided. Collection method: research. Allele origin: germline. Affected: yes. Not counted in ClinVar's aggregate classification.

University of Washington Center for Mendelian Genomics, University of Washington
Classification: Uncertain significance for Hearing impairment. Review status: no assertion criteria provided. Collection method: research. Allele origin: inherited. Affected: yes. Not counted in ClinVar's aggregate classification.

Literature cited by the submitters: PubMed 30872814 (cited by 3 submitters).